The following is an entry in ClinVar:

ClinVar aggregate classification (germline): Uncertain significance (1 of 4 stars; one submission).

Submission:

GeneDx
Classification: Uncertain significance. Last evaluated: 2022-02-04. Review status: criteria provided, single submitter. Criteria: GeneDx Variant Classification Process June 2021. Collection method: clinical testing. Allele origin: germline. Affected: yes.
Comment: Not observed at significant frequency in large population cohorts (gnomAD); In silico analysis supports that this missense variant does not alter protein structure/function; Has not been previously published as pathogenic or benign to our knowledge

NM_001080414.4(CCDC88C):c.5515G>C (p.Glu1839Gln)

Gene: CCDC88C (coiled-coil domain containing 88C; minus strand). Cytogenetic location: 14q32.11.
Variant type: single nucleotide variant.
Coding change: c.5515G>C on transcript NM_001080414.4 (MANE Select); coding-DNA position 5515, G replaced by C.
Protein change: p.Glu1839Gln; replaces glutamic acid 1839 with glutamine.
Molecular consequence: missense variant.
Genome position (GRCh38, 1-based): chr14:91,273,197, C>G on the plus strand (G>C on the coding strand, the complement: CCDC88C is on the minus strand). VCF-style: chr14-91273197-C-G. GRCh37 (hg19) VCF-style: chr14-91739541-C-G.
Other names: short protein forms E1839Q.
Identifiers: ClinVar variation 1700274 (VCV001700274.2), dbSNP rs2140903952, ClinGen allele CA390609472.